The following is an entry in ClinVar:

NM_199420.4(POLQ):c.6125G>A (p.Gly2042Glu)

Gene: POLQ (DNA polymerase theta; minus strand). Cytogenetic location: 3q13.33.
Variant type: single nucleotide variant.
Coding change: c.6125G>A on transcript NM_199420.4 (MANE Select); coding-DNA position 6125, G replaced by A.
Protein change: p.Gly2042Glu; replaces glycine 2042 with glutamic acid.
Molecular consequence: missense variant.
Genome position (GRCh38, 1-based): chr3:121,481,658, C>T on the plus strand (G>A on the coding strand, the complement: POLQ is on the minus strand). VCF-style: chr3-121481658-C-T. GRCh37 (hg19) VCF-style: chr3-121200505-C-T.
Other names: short protein forms G2042E.
Identifiers: ClinVar variation 1751747 (VCV001751747.2), dbSNP rs772854210, ClinGen allele CA354087772.

ClinVar aggregate classification (germline): Uncertain significance (1 of 4 stars; one submission).

gnomAD v4.1: 1 of 1,614,040 alleles (0.000062%); highest among the groups gnomAD compares: Non-Finnish European, 0.000085%; no homozygotes.

Submission:

Ambry Genetics
Classification: Uncertain significance. Last evaluated: 2021-11-11. Review status: criteria provided, single submitter. Criteria: Ambry Variant Classification Scheme 2023. Collection method: clinical testing. Allele origin: germline.
Comment: The p.G2042E variant (also known as c.6125G>A), located in coding exon 19 of the POLQ gene, results from a G to A substitution at nucleotide position 6125. The glycine at codon 2042 is replaced by glutamic acid, an amino acid with similar properties. This amino acid position is conserved. In addition, the in silico prediction for this alteration is inconclusive. Since supporting evidence is limited at this time, the clinical significance of this alteration remains unclear.